The following is an entry in ClinVar:

NM_004817.4(TJP2):c.2880G>A (p.Glu960=)

Gene: TJP2 (tight junction protein 2; plus strand). Cytogenetic location: 9q21.11.
Variant type: single nucleotide variant.
Coding change: c.2880G>A on transcript NM_004817.4 (MANE Select); coding-DNA position 2880, G replaced by A.
Protein change: p.Glu960=; no amino-acid change (glutamic acid 960 retained).
Molecular consequence: synonymous variant. On other transcripts: intron variant (1).
Genome position (GRCh38, 1-based): chr9:69,248,224, G>A. VCF-style: chr9-69248224-G-A. GRCh37 (hg19) VCF-style: chr9-71863140-G-A.
Other names: c.2811G>A, p.Glu937= (NM_001170414.2, NM_001369871.1); c.2892G>A, p.Glu964= (NM_001170415.1, NM_001369874.1, NM_001369875.1); c.2973G>A, p.Glu991= (NM_001170416.2); c.2805G>A, p.Glu935= (NM_001369870.1); c.2880G>A, p.Glu960= (NM_001369872.1, NM_201629.3); c.2667+1434G>A (NM_001369873.1).
Identifiers: ClinVar variation 3341050 (VCV003341050.1).

ClinVar aggregate classification (germline): Likely pathogenic (1 of 4 stars; one submission).

Submission:

GeneDx
Classification: Likely pathogenic. Last evaluated: 2024-03-11. Review status: criteria provided, single submitter. Criteria: GeneDx Variant Classification Process June 2021. Collection method: clinical testing. Allele origin: germline. Affected: yes.
Comment: RNA studies demonstrate skipping of in-frame exon 19 (PMID: 29196752); Not observed at significant frequency in large population cohorts (gnomAD); This variant is associated with the following publications: (PMID: 29196752)